The following is an entry in ClinVar:

NM_001375.3(DNASE2):c.856G>A (p.Gly286Ser)

Gene: DNASE2 (deoxyribonuclease 2, lysosomal; minus strand). Cytogenetic location: 19p13.13.
Variant type: single nucleotide variant.
Coding change: c.856G>A on transcript NM_001375.3 (MANE Select); coding-DNA position 856, G replaced by A.
Protein change: p.Gly286Ser; replaces glycine 286 with serine.
Molecular consequence: missense variant.
Genome position (GRCh38, 1-based): chr19:12,876,217, C>T on the plus strand (G>A on the coding strand, the complement: DNASE2 is on the minus strand). VCF-style: chr19-12876217-C-T. GRCh37 (hg19) VCF-style: chr19-12987031-C-T.
Other names: c.856G>A (NM_001375.2); short protein forms G286S.
Identifiers: ClinVar variation 1492191 (VCV001492191.5), dbSNP rs773363076, ClinGen allele CA9233684.

ClinVar aggregate classification (germline): Uncertain significance. Review status: criteria provided, multiple submitters, no conflicts (2 of 4 stars). 2 submissions from 2 submitters: Uncertain significance (2). Last evaluated 2025-07-09.

Allele frequency attached by ClinVar (database versions not stated): ExAC 0.00002; gnomAD exomes 0.00002; TOPMed 0.00002; gnomAD 0.00003.
gnomAD v4.1: 27 of 1,614,016 alleles (0.0017%); highest among the groups gnomAD compares: South Asian, 0.0055%; no homozygotes.

Submissions (2):

Labcorp Genetics (formerly Invitae), Labcorp
Classification: Uncertain significance. Last evaluated: 2025-07-09. Review status: criteria provided, single submitter. Criteria: Invitae Variant Classification Sherloc (09022015). Collection method: clinical testing. Allele origin: germline.
Comment: This sequence change replaces glycine, which is neutral and non-polar, with serine, which is neutral and polar, at codon 286 of the DNASE2 protein (p.Gly286Ser). This variant is present in population databases (rs773363076, gnomAD 0.006%). This variant has not been reported in the literature in individuals affected with DNASE2-related conditions. ClinVar contains an entry for this variant (Variation ID: 1492191). An algorithm developed to predict the effect of missense changes on protein structure and function outputs the following: PolyPhen-2: "Benign". The serine amino acid residue is found in multiple mammalian species, which suggests that this missense change does not adversely affect protein function. In summary, the available evidence is currently insufficient to determine the role of this variant in disease. Therefore, it has been classified as a Variant of Uncertain Significance.

Ambry Genetics
Classification: Uncertain significance. Last evaluated: 2024-06-16. Review status: criteria provided, single submitter. Criteria: Ambry Variant Classification Scheme 2023. Collection method: clinical testing. Allele origin: germline.